The following is an entry in ClinVar:

ClinVar aggregate classification (germline): Uncertain significance (1 of 4 stars; one submission).

Submission:

Labcorp Genetics (formerly Invitae), Labcorp
Classification: Uncertain significance. Last evaluated: 2022-08-09. Review status: criteria provided, single submitter. Criteria: Invitae Variant Classification Sherloc (09022015). Collection method: clinical testing. Allele origin: germline.
Comment: In summary, the available evidence is currently insufficient to determine the role of this variant in disease. Therefore, it has been classified as a Variant of Uncertain Significance. This sequence change replaces leucine, which is neutral and non-polar, with methionine, which is neutral and non-polar, at codon 483 of the C8A protein (p.Leu483Met). ClinVar contains an entry for this variant (Variation ID: 1372676). Algorithms developed to predict the effect of missense changes on protein structure and function output the following: SIFT: "Deleterious"; PolyPhen-2: "Probably Damaging"; Align-GVGD: "Class C0". The methionine amino acid residue is found in multiple mammalian species, which suggests that this missense change does not adversely affect protein function. This variant has not been reported in the literature in individuals affected with C8A-related conditions. This variant is not present in population databases (gnomAD no frequency).

NM_000562.3(C8A):c.1447C>A (p.Leu483Met)

Gene: C8A (complement C8 alpha chain; plus strand). Cytogenetic location: 1p32.2.
Variant type: single nucleotide variant.
Coding change: c.1447C>A on transcript NM_000562.3 (MANE Select); coding-DNA position 1447, C replaced by A.
Protein change: p.Leu483Met; replaces leucine 483 with methionine.
Molecular consequence: missense variant.
Genome position (GRCh38, 1-based): chr1:56,912,469, C>A. VCF-style: chr1-56912469-C-A. GRCh37 (hg19) VCF-style: chr1-57378142-C-A.
Other names: short protein forms L483M.
Identifiers: ClinVar variation 1372676 (VCV001372676.8), dbSNP rs759837668, ClinGen allele CA340516204.